The following is an entry in ClinVar:

ClinVar aggregate classification (germline): Likely pathogenic (1 of 4 stars; one submission).

Conditions:
Trichohepatoenteric syndrome 2 (THES2). Identifiers: Orphanet 84064, MedGen C3281289, MONDO:0013818, OMIM 614602.

gnomAD v4.1: 2 of 1,609,570 alleles (0.00012%); highest among the groups gnomAD compares: Middle Eastern, 0.017%; no homozygotes.

Submission:

Department of Molecular Genetics, Istishari Arab Hospital
Classification: Likely pathogenic for Trichohepatoenteric syndrome 2. Last evaluated: 2026-01-29. Review status: criteria provided, single submitter. Criteria: ACMG Guidelines, 2015. Collection method: clinical testing. Allele origin: germline. Inheritance: Autosomal recessive inheritance. Affected: yes.
Comment: The SKIV2L variant c.2476C>T, p.Gln826* creates a premature stop codon at position 826. This stop-gained (nonsense) variant is predicted to result in a loss or disruption of normal protein function through nonsense-mediated decay (NMD) or protein truncation. The variant is observed at an extremely low frequency in the gnomAD v4.1.0 dataset (total allele frequency: <0.001%). To the best of our knowledge, this variant was not previously reported in the literature. It is classified as likely pathogenic according to the recommendations of ACMG/AMP/ClinGen SVI guidelines.

NM_006929.5(SKIC2):c.2476C>T (p.Gln826Ter)

Gene: SKIC2 (SKI2 subunit of superkiller complex; plus strand). Cytogenetic location: 6p21.33.
Variant type: single nucleotide variant.
Coding change: c.2476C>T on transcript NM_006929.5 (MANE Select); coding-DNA position 2476, C replaced by T.
Protein change: p.Gln826Ter; replaces glutamine 826 with a stop codon.
Molecular consequence: nonsense.
Genome position (GRCh38, 1-based): chr6:31,967,139, C>T. VCF-style: chr6-31967139-C-T. GRCh37 (hg19) VCF-style: chr6-31934916-C-T.
Other names: p.Gln826*; short protein forms Q826*.
Identifiers: ClinVar variation 4688028 (VCV004688028.1).
Genomic context (GRCh38, chr6:31,967,139, plus strand): 5'-GTCGACCTGCCTGAATATTACAGCTGGGGGGAGGAACTGACAGAGACCCAGCACATGATC[C>T]AGGTGAGCAAGTGTGAGTGCTGAGGAGGTGATAGGAGAAGGGAAGAGAAGATCGTGTTAC-3'